The following is an entry in ClinVar:

NM_019055.6(ROBO4):c.2837C>A (p.Thr946Asn)

Gene: ROBO4 (roundabout guidance receptor 4; minus strand). Cytogenetic location: 11q24.2.
Variant type: single nucleotide variant.
Coding change: c.2837C>A on transcript NM_019055.6 (MANE Select); coding-DNA position 2837, C replaced by A.
Protein change: p.Thr946Asn; replaces threonine 946 with asparagine.
Molecular consequence: missense variant.
Genome position (GRCh38, 1-based): chr11:124,885,205, G>T on the plus strand (C>A on the coding strand, the complement: ROBO4 is on the minus strand). VCF-style: chr11-124885205-G-T. GRCh37 (hg19) VCF-style: chr11-124755101-G-T.
Other names: c.2402C>A, p.Thr801Asn (NM_001301088.2); c.2723C>A, p.Thr908Asn (NM_001441183.1); short protein forms T801N, T908N, T946N.
Identifiers: ClinVar variation 4821799 (VCV004821799.4).
Genomic context (GRCh38, chr11:124,885,205, plus strand): 5'-ACCTCCATGTCTTCCAACCAGTCTGGCCTCCACTCCCACAGGGGCAGGGAGAGGTTGGGG[G>T]TCAGGAAGATCTCATCCCGTGGGGAGGGAGGTGATGAGGCATCTGTCAGGGAGGGTAGAG-3'
Protein context (NP_061928.4, residues 936-956): PPSPRDEIFL[Thr946Asn]PNLSLPLWEW

ClinVar aggregate classification (germline): Uncertain significance (1 of 4 stars; one submission).

gnomAD v4.1: 4 of 1,613,536 alleles (0.00025%); highest among the groups gnomAD compares: Admixed American, 0.005%; no homozygotes.

Submission:

CeGaT Center for Human Genetics Tuebingen
Classification: Uncertain significance. Last evaluated: 2026-02-01. Review status: criteria provided, single submitter. Criteria: CeGaT Center For Human Genetics Tuebingen Variant Classification Criteria Version 2. Collection method: clinical testing. Allele origin: germline. Affected: yes. Observed: 1 variant allele.
Comment: ROBO4: PM2, BP4